The following is an entry in ClinVar:

ClinVar aggregate classification (germline): Uncertain significance. Review status: criteria provided, multiple submitters, no conflicts (2 of 4 stars). 2 submissions from 2 submitters: Uncertain significance (2). Last evaluated 2023-11-30.

Conditions:
Cardiovascular phenotype. Identifiers: MedGen CN230736.

gnomAD v4.1: 1 of 1,612,976 alleles (0.000062%); no homozygotes.

Submissions (2):

GeneDx
Classification: Uncertain significance. Last evaluated: 2023-11-30. Review status: criteria provided, single submitter. Criteria: GeneDx Variant Classification Process June 2021. Collection method: clinical testing. Allele origin: germline. Affected: yes.
Comment: Not observed at significant frequency in large population cohorts (gnomAD); Missense variant in a gene in which most reported pathogenic variants are truncating/loss of function; Has not been previously published as pathogenic or benign to our knowledge

Ambry Genetics
Classification: Uncertain significance for Cardiovascular phenotype. Last evaluated: 2020-07-14. Review status: criteria provided, single submitter. Criteria: Ambry Variant Classification Scheme 2023. Collection method: clinical testing. Allele origin: germline.
Comment: The p.L12060F variant (also known as c.36178C>T), located in coding exon 132 of the TTN gene, results from a C to T substitution at nucleotide position 36178. The leucine at codon 12060 is replaced by phenylalanine, an amino acid with highly similar properties. This amino acid position is well conserved in available vertebrate species. In addition, this alteration is predicted to be tolerated by in silico analysis. Since supporting evidence is limited at this time, the clinical significance of this alteration remains unclear.

NM_001267550.2(TTN):c.63373C>T (p.Leu21125Phe)

Genes: TTN (titin; minus strand), TTN-AS1 (TTN antisense RNA 1; plus strand). Cytogenetic location: 2q31.2.
Variant type: single nucleotide variant.
Coding change: c.63373C>T on transcript NM_001267550.2 (MANE Select); coding-DNA position 63373, C replaced by T.
Protein change: p.Leu21125Phe; replaces leucine 21125 with phenylalanine.
Molecular consequence: missense variant.
Genome position (GRCh38, 1-based): chr2:178,588,034, G>A on the plus strand (C>T on the coding strand, the complement: TTN is on the minus strand). VCF-style: chr2-178588034-G-A. GRCh37 (hg19) VCF-style: chr2-179452761-G-A.
Other names: c.58450C>T, p.Leu19484Phe (NM_001256850.1); c.36178C>T, p.Leu12060Phe (NM_003319.4); c.55669C>T, p.Leu18557Phe (NM_133378.4); c.36553C>T, p.Leu12185Phe (NM_133432.3); c.36754C>T, p.Leu12252Phe (NM_133437.4); short protein forms L12060F, L21125F, L12252F, L18557F, L12185F, L19484F.
Identifiers: ClinVar variation 1733273 (VCV001733273.3), dbSNP rs1040226223, ClinGen allele CA60965943.